The following is an entry in ClinVar:

NM_001374385.1(ATP8B1):c.2707+9T>C

Genes: ATP8B1 (ATPase phospholipid transporting 8B1; minus strand), ATP8B1-AS1 (ATP8B1 antisense RNA 1; plus strand). Cytogenetic location: 18q21.31.
Variant type: single nucleotide variant.
Coding change: c.2707+9T>C on transcript NM_001374385.1 (MANE Select); 9 bases into the intron after coding-DNA position 2707, T replaced by C.
Molecular consequence: intron variant.
Genome position (GRCh38, 1-based): chr18:57,661,165, A>G on the plus strand (T>C on the coding strand, the complement: ATP8B1 is on the minus strand). VCF-style: chr18-57661165-A-G. GRCh37 (hg19) VCF-style: chr18-55328397-A-G.
Other names: c.2707+9T>C (NM_005603.6); c.2557+9T>C (NM_001374386.1).
Identifiers: ClinVar variation 512300 (VCV000512300.5), dbSNP rs758888388, ClinGen allele CA8974198.

ClinVar aggregate classification (germline): Likely benign. Review status: criteria provided, multiple submitters, no conflicts (2 of 4 stars). 3 submissions from 3 submitters: Likely benign (2). 1 of the submissions does not count toward it. Last evaluated 2025-07-30.

Conditions:
ATP8B1-related disorder. Also called: ATP8B1-related condition; ATP8B1-related disorders.

gnomAD v4.1: 6 of 1,613,112 alleles (0.00037%); highest among the groups gnomAD compares: East Asian, 0.0022%; no homozygotes.

Submissions (3):

Labcorp Genetics (formerly Invitae), Labcorp
Classification: Likely benign. Last evaluated: 2025-07-30. Review status: criteria provided, single submitter. Criteria: Invitae Variant Classification Sherloc (09022015). Collection method: clinical testing. Allele origin: germline.

GeneDx
Classification: Likely benign. Last evaluated: 2017-10-03. Review status: criteria provided, single submitter. Criteria: GeneDx Variant Classification (06012015). Collection method: clinical testing. Allele origin: germline. Affected: yes.
Comment: This variant is considered likely benign or benign based on one or more of the following criteria: it is a conservative change, it occurs at a poorly conserved position in the protein, it is predicted to be benign by multiple in silico algorithms, and/or has population frequency not consistent with disease.

PreventionGenetics, part of Exact Sciences
Classification: Likely benign for ATP8B1-related condition. Last evaluated: 2021-04-26. Review status: no assertion criteria provided. Collection method: clinical testing. Allele origin: germline. Not counted in ClinVar's aggregate classification.
Comment: This variant is classified as likely benign based on ACMG/AMP sequence variant interpretation guidelines (Richards et al. 2015 PMID: 25741868, with internal and published modifications).